The following is an entry in ClinVar:

ClinVar aggregate classification (germline): Uncertain significance (1 of 4 stars; one submission).

Conditions:
Hereditary pheochromocytoma and paraganglioma. Also called: Hereditary paragangliomas and pheochromocytomas; Hereditary Paraganglioma-Pheochromocytoma Syndromes; Hereditary pheochromocytoma-paraganglioma. Identifiers: Orphanet 29072, MedGen C4274332, MONDO:0017366.

Submission:

Labcorp Genetics (formerly Invitae), Labcorp
Classification: Uncertain significance for Hereditary pheochromocytoma and paraganglioma. Last evaluated: 2021-01-05. Review status: criteria provided, single submitter. Criteria: Invitae Variant Classification Sherloc (09022015). Collection method: clinical testing. Allele origin: germline.
Comment: In summary, the available evidence is currently insufficient to determine the role of this variant in disease. Therefore, it has been classified as a Variant of Uncertain Significance. Experimental studies and prediction algorithms are not available or were not evaluated, and the functional significance of this variant is currently unknown. This variant has not been reported in the literature in individuals with MAX-related conditions. This variant results in a copy number gain of the genomic region encompassing exon(s) 3-5 of the MAX gene. The 5' boundary is likely confined to intron 2. The 3' end of this event is unknown as it extends beyond the assayed region for this gene and therefore may encompass additional genes. As the precise location of this event is unknown, it may be in tandem or it may be located elsewhere in the genome.

NC_000014.8:g.(?_65543194)_(65560543_?)dup

Gene: MAX (MYC associated transcriptional regulator X; minus strand). Cytogenetic location: 14q23.3.
Variant type: Duplication.
Identifiers: ClinVar variation 1410605 (VCV001410605.4).